The following is an entry in ClinVar:

NM_001943.5(DSG2):c.82-2A>G

Gene: DSG2 (desmoglein 2; plus strand). Cytogenetic location: 18q12.1.
Variant type: single nucleotide variant.
Coding change: c.82-2A>G on transcript NM_001943.5 (MANE Select); the canonical splice acceptor site of the intron before coding-DNA position 82, A replaced by G.
Molecular consequence: splice acceptor variant.
Genome position (GRCh38, 1-based): chr18:31,519,801, A>G. VCF-style: chr18-31519801-A-G. GRCh37 (hg19) VCF-style: chr18-29099764-A-G.
Identifiers: ClinVar variation 927630 (VCV000927630.4), dbSNP rs2073116488, ClinGen allele CA402130442.

ClinVar aggregate classification (germline): Conflicting classifications of pathogenicity. Review status: criteria provided, conflicting classifications (1 of 4 stars). 2 submissions from 2 submitters: Likely pathogenic (1); Uncertain significance (1). Last evaluated 2025-07-13.

Conditions:
Cardiomyopathy (CMYO). Also called: Cardiomyopathies. Identifiers: Orphanet 167848, MedGen C0878544, MONDO:0004994, HP:0001638. Inheritance: Various modes of inheritance.
Arrhythmogenic right ventricular dysplasia 10. Also called: ARRHYTHMOGENIC RIGHT VENTRICULAR DYSPLASIA, FAMILIAL, 10; Arrhythmogenic right ventricular dysplasia/cardiomyopathy, type 10; Arrhythmogenic Right Ventricular Dysplasia/Cardiomyopathy10. Identifiers: MedGen C1857777, MONDO:0012434, OMIM 610193.

Submissions (2):

Labcorp Genetics (formerly Invitae), Labcorp
Classification: Likely pathogenic for Arrhythmogenic right ventricular dysplasia 10. Last evaluated: 2025-07-13. Review status: criteria provided, single submitter. Criteria: Invitae Variant Classification Sherloc (09022015). Collection method: clinical testing. Allele origin: germline.
Comment: This sequence change affects an acceptor splice site in intron 2 of the DSG2 gene. It is expected to disrupt RNA splicing. Variants that disrupt the donor or acceptor splice site typically lead to a loss of protein function (PMID: 16199547), and loss-of-function variants in DSG2 are known to be pathogenic (PMID: 17105751, 31386562). This variant is not present in population databases (gnomAD no frequency). This variant has not been reported in the literature in individuals affected with DSG2-related conditions. ClinVar contains an entry for this variant (Variation ID: 927630). Algorithms developed to predict the effect of sequence changes on RNA splicing suggest that this variant may disrupt the consensus splice site. In summary, the currently available evidence indicates that the variant is pathogenic, but additional data are needed to prove that conclusively. Therefore, this variant has been classified as Likely Pathogenic.

Color Diagnostics, LLC DBA Color Health
Classification: Uncertain significance for Cardiomyopathy. Last evaluated: 2019-07-20. Review status: criteria provided, single submitter. Criteria: ACMG Guidelines, 2015. Collection method: clinical testing. Allele origin: germline.
Comment: This variant is located in intron 2 of the DSG2 gene. Computational splicing tools predict that this variant may have a significant impact on RNA splicing. Although RNA study has not been performed to confirm the prediction, this variant is expected to result in an absent or disrupted protein product. This variant has not been reported in individuals affected with cardiovascular disorders in the literature. This variant has not been identified in the general population by the Genome Aggregation Database (gnomAD). Clinical significance of loss-of-function truncations and splice variants in the DSC2 gene is not clearly established. Available evidence is insufficient to determine the role of this variant in disease conclusively. Therefore, this variant is classified as a Variant of Uncertain Significance.

Literature cited by the submitters: PubMed 16199547 (cited by Labcorp Genetics (formerly Invitae), Labcorp); PubMed 17105751 (cited by Labcorp Genetics (formerly Invitae), Labcorp); PubMed 31386562 (cited by Labcorp Genetics (formerly Invitae), Labcorp).